The following is an entry in ClinVar:

NM_031407.7(HUWE1):c.12659G>A (p.Arg4220His)

Gene: HUWE1 (HECT, UBA and WWE domain containing E3 ubiquitin protein ligase 1; minus strand). Cytogenetic location: Xp11.22.
Variant type: single nucleotide variant.
Coding change: c.12659G>A on transcript NM_031407.7 (MANE Select); coding-DNA position 12659, G replaced by A.
Protein change: p.Arg4220His; replaces arginine 4220 with histidine.
Molecular consequence: missense variant.
Genome position (GRCh38, 1-based): chrX:53,534,688, C>T on the plus strand (G>A on the coding strand, the complement: HUWE1 is on the minus strand). VCF-style: chrX-53534688-C-T. GRCh37 (hg19) VCF-style: chrX-53561649-C-T.
Other names: short protein forms R4220H.
Identifiers: ClinVar variation 1219418 (VCV001219418.3), dbSNP rs781879793, ClinGen allele CA10421151.

ClinVar aggregate classification (germline): Uncertain significance (1 of 4 stars; one submission).

Allele frequency attached by ClinVar (database versions not stated): ExAC 0.00001; gnomAD exomes 0.00001.
gnomAD v4.1: 14 of 1,210,298 alleles (0.0012%); highest among the groups gnomAD compares: Admixed American, 0.0044%; no homozygotes.

Submission:

GeneDx
Classification: Uncertain significance. Last evaluated: 2019-06-24. Review status: criteria provided, single submitter. Criteria: GeneDx Variant Classification Process June 2021. Collection method: clinical testing. Allele origin: germline. Affected: yes.
Comment: In silico analysis, which includes protein predictors and evolutionary conservation, supports a deleterious effect; Has not been previously published as pathogenic or benign to our knowledge